The following is an entry in ClinVar:

NM_032608.7(MYO18B):c.582G>T (p.Glu194Asp)

Gene: MYO18B (myosin XVIIIB; plus strand). Cytogenetic location: 22q12.1.
Variant type: single nucleotide variant.
Coding change: c.582G>T on transcript NM_032608.7 (MANE Select); coding-DNA position 582, G replaced by T.
Protein change: p.Glu194Asp; replaces glutamic acid 194 with aspartic acid.
Molecular consequence: missense variant.
Genome position (GRCh38, 1-based): chr22:25,768,498, G>T. VCF-style: chr22-25768498-G-T. GRCh37 (hg19) VCF-style: chr22-26164465-G-T.
Other names: c.582G>T, p.Glu194Asp (NM_001318245.2); short protein forms E194D.
Identifiers: ClinVar variation 1435143 (VCV001435143.8), dbSNP rs773869369, ClinGen allele CA10159649.

ClinVar aggregate classification (germline): Uncertain significance (1 of 4 stars; one submission).

Allele frequency attached by ClinVar (database versions not stated): gnomAD exomes below 0.00001 and 0.00001; ExAC 0.00001; gnomAD 0.00001; TOPMed 0.00002.
gnomAD v4.1: 15 of 1,595,794 alleles (0.00094%); highest among the groups gnomAD compares: East Asian, 0.0022%; no homozygotes.

Submission:

Labcorp Genetics (formerly Invitae), Labcorp
Classification: Uncertain significance. Last evaluated: 2022-07-05. Review status: criteria provided, single submitter. Criteria: Invitae Variant Classification Sherloc (09022015). Collection method: clinical testing. Allele origin: germline.
Comment: ClinVar contains an entry for this variant (Variation ID: 1435143). In summary, the available evidence is currently insufficient to determine the role of this variant in disease. Therefore, it has been classified as a Variant of Uncertain Significance. Algorithms developed to predict the effect of missense changes on protein structure and function output the following: SIFT: "Not Available"; PolyPhen-2: "Benign"; Align-GVGD: "Not Available". The aspartic acid amino acid residue is found in multiple mammalian species, which suggests that this missense change does not adversely affect protein function. This variant has not been reported in the literature in individuals affected with MYO18B-related conditions. This variant is present in population databases (rs773869369, gnomAD 0.001%). This sequence change replaces glutamic acid, which is acidic and polar, with aspartic acid, which is acidic and polar, at codon 194 of the MYO18B protein (p.Glu194Asp).